The following is an entry in ClinVar:

NM_003922.4(HERC1):c.4490G>A (p.Arg1497Gln)

Gene: HERC1 (HECT and RLD domain containing E3 ubiquitin protein ligase family member 1; minus strand). Cytogenetic location: 15q22.31.
Variant type: single nucleotide variant.
Coding change: c.4490G>A on transcript NM_003922.4 (MANE Select); coding-DNA position 4490, G replaced by A.
Protein change: p.Arg1497Gln; replaces arginine 1497 with glutamine.
Molecular consequence: missense variant.
Genome position (GRCh38, 1-based): chr15:63,712,869, C>T on the plus strand (G>A on the coding strand, the complement: HERC1 is on the minus strand). VCF-style: chr15-63712869-C-T. GRCh37 (hg19) VCF-style: chr15-64005068-C-T.
Other names: short protein forms R1497Q.
Identifiers: ClinVar variation 1938914 (VCV001938914.5), dbSNP rs1443824538, ClinGen allele CA392752601.
Genomic context (GRCh38, chr15:63,712,869, plus strand): 5'-GACAAATCAGATTCACTCCTCGATTTGATCAGTCTATAATTTGGGCTTGTGTGGACTAGC[C>T]GGCTCTCTGCAGTAAGACTTTCACTCCTGTCTCACATGTACAAAAAAAAAAGTTTTTTGA-3'
Protein context (NP_003913.3, residues 1487-1507): TRSESLTAES[Arg1497Gln]LVHTSPNYRL

ClinVar aggregate classification (germline): Uncertain significance (1 of 4 stars; one submission).

Allele frequency attached by ClinVar (database versions not stated): gnomAD exomes 0.00001; TOPMed 0.00002.
gnomAD v4.1: 25 of 1,613,242 alleles (0.0015%); highest among the groups gnomAD compares: African/African-American, 0.0094%; no homozygotes.

Submission:

Labcorp Genetics (formerly Invitae), Labcorp
Classification: Uncertain significance. Last evaluated: 2023-12-11. Review status: criteria provided, single submitter. Criteria: Invitae Variant Classification Sherloc (09022015). Collection method: clinical testing. Allele origin: germline.
Comment: This sequence change replaces arginine, which is basic and polar, with glutamine, which is neutral and polar, at codon 1497 of the HERC1 protein (p.Arg1497Gln). This variant is present in population databases (no rsID available, gnomAD 0.008%). This variant has not been reported in the literature in individuals affected with HERC1-related conditions. ClinVar contains an entry for this variant (Variation ID: 1938914). Advanced modeling of protein sequence and biophysical properties (such as structural, functional, and spatial information, amino acid conservation, physicochemical variation, residue mobility, and thermodynamic stability) has been performed at Invitae for this missense variant, however the output from this modeling did not meet the statistical confidence thresholds required to predict the impact of this variant on HERC1 protein function. In summary, the available evidence is currently insufficient to determine the role of this variant in disease. Therefore, it has been classified as a Variant of Uncertain Significance.